The following is an entry in ClinVar:

ClinVar aggregate classification (germline): Uncertain significance (1 of 4 stars; one submission).

Submission:

GeneDx
Classification: Uncertain significance. Last evaluated: 2025-05-28. Review status: criteria provided, single submitter. Criteria: GeneDx Variant Classification Process June 2021. Collection method: clinical testing. Allele origin: germline. Affected: yes.
Comment: Not observed at significant frequency in large population cohorts (gnomAD); Has not been previously published as pathogenic or benign to our knowledge; In silico analysis does not support a benign or deleterious effect of this variant on protein structure/function

NM_001372044.2(SHANK3):c.655C>T (p.His219Tyr)

Gene: SHANK3 (SH3 and multiple ankyrin repeat domains 3; plus strand). Cytogenetic location: 22q13.33.
Variant type: single nucleotide variant.
Coding change: c.655C>T on transcript NM_001372044.2 (MANE Select); coding-DNA position 655, C replaced by T.
Protein change: p.His219Tyr; replaces histidine 219 with tyrosine.
Molecular consequence: missense variant.
Genome position (GRCh38, 1-based): chr22:50,678,675, C>T. VCF-style: chr22-50678675-C-T. GRCh37 (hg19) VCF-style: chr22-51117103-C-T.
Other names: c.430C>T (NM_033517.1); short protein forms H219Y.
Identifiers: ClinVar variation 3372129 (VCV003372129.2).